The following is an entry in ClinVar:

NM_001256789.3(CACNA1F):c.2620A>T (p.Ser874Cys)

Gene: CACNA1F (calcium voltage-gated channel subunit alpha1 F; minus strand). Cytogenetic location: Xp11.23.
Variant type: single nucleotide variant.
Coding change: c.2620A>T on transcript NM_001256789.3 (MANE Select); coding-DNA position 2620, A replaced by T.
Protein change: p.Ser874Cys; replaces serine 874 with cysteine.
Molecular consequence: missense variant.
Genome position (GRCh38, 1-based): chrX:49,219,374, T>A on the plus strand (A>T on the coding strand, the complement: CACNA1F is on the minus strand). VCF-style: chrX-49219374-T-A. GRCh37 (hg19) VCF-style: chrX-49075833-T-A.
Other names: c.2458A>T, p.Ser820Cys (NM_001256790.3); c.2653A>T, p.Ser885Cys (NM_005183.4); short protein forms S820C, S874C, S885C.
Identifiers: ClinVar variation 1463699 (VCV001463699.8), dbSNP rs2147909684, ClinGen allele CA412965267.

ClinVar aggregate classification (germline): Uncertain significance (1 of 4 stars; one submission).

gnomAD v4.1: 1 of 1,207,568 alleles (0.000083%); highest among the groups gnomAD compares: Non-Finnish European, 0.00011%; no homozygotes.

Submission:

Labcorp Genetics (formerly Invitae), Labcorp
Classification: Uncertain significance. Last evaluated: 2022-03-10. Review status: criteria provided, single submitter. Criteria: Invitae Variant Classification Sherloc (09022015). Collection method: clinical testing. Allele origin: germline.
Comment: Algorithms developed to predict the effect of missense changes on protein structure and function are either unavailable or do not agree on the potential impact of this missense change (SIFT: "Tolerated"; PolyPhen-2: "Possibly Damaging"; Align-GVGD: "Class C0"). This variant has not been reported in the literature in individuals affected with CACNA1F-related conditions. This variant is not present in population databases (gnomAD no frequency). This sequence change replaces serine, which is neutral and polar, with cysteine, which is neutral and slightly polar, at codon 885 of the CACNA1F protein (p.Ser885Cys). In summary, the available evidence is currently insufficient to determine the role of this variant in disease. Therefore, it has been classified as a Variant of Uncertain Significance.